The following is an entry in ClinVar:

ClinVar aggregate classification (germline): Uncertain significance (1 of 4 stars; one submission).

Conditions:
Hereditary cancer-predisposing syndrome. Also called: Neoplastic Syndromes, Hereditary; Tumor predisposition; Hereditary Cancer Syndrome; Hereditary neoplastic syndrome. Identifiers: Orphanet 140162, MedGen C0027672, MeSH D009386, MONDO:0015356.

Submission:

Ambry Genetics
Classification: Uncertain significance for Hereditary cancer-predisposing syndrome. Last evaluated: 2026-05-24. Review status: criteria provided, single submitter. Criteria: Ambry Variant Classification Scheme 2023. Collection method: clinical testing. Allele origin: germline.
Comment: The p.D874N variant (also known as c.2620G>A), located in coding exon 16 of the CDH1 gene, results from a G to A substitution at nucleotide position 2620. The aspartic acid at codon 874 is replaced by asparagine, an amino acid with highly similar properties. This amino acid position is conserved. In addition, this alteration is predicted to be tolerated by in silico analysis. Based on the available evidence, the clinical significance of this variant remains unclear.

NM_004360.5(CDH1):c.2620G>A (p.Asp874Asn)

Gene: CDH1 (cadherin 1; plus strand). Cytogenetic location: 16q22.1.
Variant type: single nucleotide variant.
Coding change: c.2620G>A on transcript NM_004360.5 (MANE Select); coding-DNA position 2620, G replaced by A.
Protein change: p.Asp874Asn; replaces aspartic acid 874 with asparagine.
Molecular consequence: missense variant.
Genome position (GRCh38, 1-based): chr16:68,833,470, G>A. VCF-style: chr16-68833470-G-A. GRCh37 (hg19) VCF-style: chr16-68867373-G-A.
Other names: c.2437G>A, p.Asp813Asn (NM_001317184.2); c.1072G>A, p.Asp358Asn (NM_001317185.2); c.655G>A, p.Asp219Asn (NM_001317186.2); short protein forms D219N, D358N, D813N, D874N.
Identifiers: ClinVar variation 4868411 (VCV004868411.1).